The following is an entry in ClinVar:

NM_198578.4(LRRK2):c.3554T>C (p.Phe1185Ser)

Gene: LRRK2 (leucine rich repeat kinase 2; plus strand). Cytogenetic location: 12q12.
Variant type: single nucleotide variant.
Coding change: c.3554T>C on transcript NM_198578.4 (MANE Select); coding-DNA position 3554, T replaced by C.
Protein change: p.Phe1185Ser; replaces phenylalanine 1185 with serine.
Molecular consequence: missense variant.
Genome position (GRCh38, 1-based): chr12:40,302,846, T>C. VCF-style: chr12-40302846-T-C. GRCh37 (hg19) VCF-style: chr12-40696648-T-C.
Other names: short protein forms F1185S.
Identifiers: ClinVar variation 1329739 (VCV001329739.3), dbSNP rs1358839130, ClinGen allele CA384416424.

ClinVar aggregate classification (germline): Uncertain significance (1 of 4 stars; one submission).

Allele frequency attached by ClinVar (database versions not stated): gnomAD 0.00001; gnomAD exomes 0.00001; TOPMed 0.00001.
gnomAD v4.1: 9 of 1,610,834 alleles (0.00056%); highest among the groups gnomAD compares: Non-Finnish European, 0.00076%; no homozygotes.

Submission:

GeneDx
Classification: Uncertain significance. Last evaluated: 2024-09-26. Review status: criteria provided, single submitter. Criteria: GeneDx Variant Classification Process June 2021. Collection method: clinical testing. Allele origin: germline. Affected: yes.
Comment: Not observed at significant frequency in large population cohorts (gnomAD); In silico analysis supports that this missense variant has a deleterious effect on protein structure/function; Has not been previously published as pathogenic or benign to our knowledge; This variant is associated with the following publications: (PMID: 27535533)